The following is an entry in ClinVar:

ClinVar aggregate classification (germline): Uncertain significance. Review status: criteria provided, multiple submitters, no conflicts (2 of 4 stars). 3 submissions from 3 submitters: Uncertain significance (3). Last evaluated 2025-03-17.

Conditions:
Early-infantile DEE. Also called: Ohtahara syndrome; Early infantile epileptic encephalopathy with suppression bursts; Early infantile epileptic encephalopathy. Identifiers: Orphanet 1934, MedGen C0393706, MONDO:0800491.
Inborn genetic diseases. Identifiers: MedGen C0950123, MeSH D030342.

Allele frequency attached by ClinVar (database versions not stated): gnomAD exomes below 0.00001; TOPMed below 0.00001; ExAC 0.00001.
gnomAD v4.1: 4 of 1,609,204 alleles (0.00025%); highest among the groups gnomAD compares: South Asian, 0.0044%; no homozygotes.

Submissions (3):

GeneDx
Classification: Uncertain significance. Last evaluated: 2025-03-17. Review status: criteria provided, single submitter. Criteria: GeneDx Variant Classification Process June 2021. Collection method: clinical testing. Allele origin: germline. Affected: yes.
Comment: In silico analysis indicates that this missense variant does not alter protein structure/function; Has not been previously published as pathogenic or benign to our knowledge; This substitution is predicted to be within the cytoplasmic loop between the first and second homologous domains

Ambry Genetics
Classification: Uncertain significance for Inborn genetic diseases. Last evaluated: 2025-02-13. Review status: criteria provided, single submitter. Criteria: Ambry Variant Classification Scheme 2023. Collection method: clinical testing. Allele origin: germline.

Labcorp Genetics (formerly Invitae), Labcorp
Classification: Uncertain significance for Early-infantile DEE. Last evaluated: 2020-10-03. Review status: criteria provided, single submitter. Criteria: Invitae Variant Classification Sherloc (09022015). Collection method: clinical testing. Allele origin: germline.
Comment: This sequence change replaces tyrosine with histidine at codon 617 of the SCN8A protein (p.Tyr617His). The tyrosine residue is highly conserved and there is a moderate physicochemical difference between tyrosine and histidine. This variant is present in population databases (rs773608650, ExAC 0.007%). This variant has not been reported in the literature in individuals with SCN8A-related conditions. Algorithms developed to predict the effect of missense changes on protein structure and function are either unavailable or do not agree on the potential impact of this missense change (SIFT: "Deleterious"; PolyPhen-2: "Probably Damaging"; Align-GVGD: "Class C0"). In summary, the available evidence is currently insufficient to determine the role of this variant in disease. Therefore, it has been classified as a Variant of Uncertain Significance.

NM_001330260.2(SCN8A):c.1849T>C (p.Tyr617His)

Gene: SCN8A (sodium voltage-gated channel alpha subunit 8; plus strand). Cytogenetic location: 12q13.13.
Variant type: single nucleotide variant.
Coding change: c.1849T>C on transcript NM_001330260.2 (MANE Select); coding-DNA position 1849, T replaced by C.
Protein change: p.Tyr617His; replaces tyrosine 617 with histidine.
Molecular consequence: missense variant.
Genome position (GRCh38, 1-based): chr12:51,721,759, T>C. VCF-style: chr12-51721759-T-C. GRCh37 (hg19) VCF-style: chr12-52115543-T-C.
Other names: c.1849T>C (NM_014191.2, NM_014191.3); c.1849T>C, p.Tyr617His (NM_001177984.3, NM_001369788.1, NM_014191.4); short protein forms Y617H.
Identifiers: ClinVar variation 1063184 (VCV001063184.12), dbSNP rs773608650, ClinGen allele CA6571344.